The following is an entry in ClinVar:

NM_000081.4(LYST):c.144T>C (p.His48=)

Gene: LYST (lysosomal trafficking regulator; minus strand). Cytogenetic location: 1q42.3.
Variant type: single nucleotide variant.
Coding change: c.144T>C on transcript NM_000081.4 (MANE Select); coding-DNA position 144, T replaced by C.
Protein change: p.His48=; no amino-acid change (histidine 48 retained).
Molecular consequence: synonymous variant. On other transcripts: non-coding transcript variant (1).
Genome position (GRCh38, 1-based): chr1:235,830,274, A>G on the plus strand (T>C on the coding strand, the complement: LYST is on the minus strand). VCF-style: chr1-235830274-A-G. GRCh37 (hg19) VCF-style: chr1-235993574-A-G.
Other names: p.His48=; c.144T>C, p.His48= (NM_001301365.1).
Identifiers: ClinVar variation 2059155 (VCV002059155.6), dbSNP rs781523694, ClinGen allele CA1467720.

ClinVar aggregate classification (germline): Likely benign. Review status: criteria provided, multiple submitters, no conflicts (2 of 4 stars). 3 submissions from 3 submitters: Likely benign (3). Last evaluated 2025-12-09.

Conditions:
Chédiak-Higashi syndrome (CHS). Also called: Chediak-Higashi Syndrome. Identifiers: Orphanet 167, MedGen C0007965, MONDO:0008963, OMIM 214500.

Allele frequency attached by ClinVar (database versions not stated): gnomAD exomes 0.00003; ExAC 0.00006; gnomAD 0.00007.
gnomAD v4.1: 58 of 1,613,930 alleles (0.0036%); highest among the groups gnomAD compares: South Asian, 0.049%; 2 homozygotes.

Submissions (3):

Labcorp Genetics (formerly Invitae), Labcorp
Classification: Likely benign for Chédiak-Higashi syndrome. Last evaluated: 2025-12-09. Review status: criteria provided, single submitter. Criteria: Invitae Variant Classification Sherloc (09022015). Collection method: clinical testing. Allele origin: germline.

Mayo Clinic Laboratories, Mayo Clinic
Classification: Likely benign. Last evaluated: 2025-09-24. Review status: criteria provided, single submitter. Criteria: ACMG Guidelines, 2015. Collection method: clinical testing. Allele origin: germline. Observed: 1 variant allele.
Comment: BP4, BP7

Blueprint Genetics
Classification: Likely benign. Last evaluated: 2022-07-14. Review status: criteria provided, single submitter. Criteria: ACMG Guidelines, 2015. Collection method: clinical testing. Allele origin: germline.